The following is an entry in ClinVar:

ClinVar aggregate classification (germline): Uncertain significance (1 of 4 stars; one submission).

gnomAD v4.1: 1 of 1,426,012 alleles (0.00007%); highest among the groups gnomAD compares: Non-Finnish European, 0.000091%; no homozygotes.

Submission:

Labcorp Genetics (formerly Invitae), Labcorp
Classification: Uncertain significance. Last evaluated: 2026-01-27. Review status: criteria provided, single submitter. Criteria: Invitae Variant Classification Sherloc (09022015). Collection method: clinical testing. Allele origin: germline.
Comment: This sequence change replaces arginine, which is basic and polar, with lysine, which is basic and polar, at codon 1014 of the ZNF469 protein (p.Arg1014Lys). This variant is not present in population databases (gnomAD no frequency). This variant has not been reported in the literature in individuals affected with ZNF469-related conditions. An algorithm developed to predict the effect of missense changes on protein structure and function (PolyPhen-2) suggests that this variant is likely to be tolerated. In summary, the available evidence is currently insufficient to determine the role of this variant in disease. Therefore, it has been classified as a Variant of Uncertain Significance.

NM_001367624.2(ZNF469):c.3041G>A (p.Arg1014Lys)

Gene: ZNF469 (zinc finger protein 469; plus strand). Cytogenetic location: 16q24.2.
Variant type: single nucleotide variant.
Coding change: c.3041G>A on transcript NM_001367624.2 (MANE Select); coding-DNA position 3041, G replaced by A.
Protein change: p.Arg1014Lys; replaces arginine 1014 with lysine.
Molecular consequence: missense variant.
Genome position (GRCh38, 1-based): chr16:88,430,511, G>A. VCF-style: chr16-88430511-G-A. GRCh37 (hg19) VCF-style: chr16-88496919-G-A.
Other names: short protein forms R1014K.
Identifiers: ClinVar variation 4807611 (VCV004807611.1).